The following is an entry in ClinVar:

ClinVar aggregate classification (germline): Uncertain significance (1 of 4 stars; one submission).

Allele frequency attached by ClinVar (database versions not stated): TOPMed below 0.00001.

Submission:

Labcorp Genetics (formerly Invitae), Labcorp
Classification: Uncertain significance. Last evaluated: 2023-04-20. Review status: criteria provided, single submitter. Criteria: Invitae Variant Classification Sherloc (09022015). Collection method: clinical testing. Allele origin: germline.
Comment: In summary, the available evidence is currently insufficient to determine the role of this variant in disease. Therefore, it has been classified as a Variant of Uncertain Significance. Advanced modeling of protein sequence and biophysical properties (such as structural, functional, and spatial information, amino acid conservation, physicochemical variation, residue mobility, and thermodynamic stability) performed at Invitae indicates that this missense variant is not expected to disrupt COL11A2 protein function. This variant has not been reported in the literature in individuals affected with COL11A2-related conditions. This variant is not present in population databases (gnomAD no frequency). This sequence change replaces alanine, which is neutral and non-polar, with serine, which is neutral and polar, at codon 216 of the COL11A2 protein (p.Ala216Ser).

NM_080680.3(COL11A2):c.646G>T (p.Ala216Ser)

Gene: COL11A2 (collagen type XI alpha 2 chain; minus strand). Cytogenetic location: 6p21.32.
Variant type: single nucleotide variant.
Coding change: c.646G>T on transcript NM_080680.3 (MANE Select); coding-DNA position 646, G replaced by T.
Protein change: p.Ala216Ser; replaces alanine 216 with serine.
Molecular consequence: missense variant. On other transcripts: 5 prime UTR variant (3), non-coding transcript variant (1).
Genome position (GRCh38, 1-based): chr6:33,186,779, C>A on the plus strand (G>T on the coding strand, the complement: COL11A2 is on the minus strand). VCF-style: chr6-33186779-C-A. GRCh37 (hg19) VCF-style: chr6-33154556-C-A.
Other names: c.646G>T, p.Ala216Ser (NM_001163771.2, NM_001424108.1, NM_080679.3 and 1 more transcripts); c.-201G>T (NM_001424109.1, NM_001424110.1, NM_001424111.1); short protein forms A216S.
Identifiers: ClinVar variation 2881222 (VCV002881222.3), dbSNP rs1047117051, ClinGen allele CA137053651.